The following is an entry in ClinVar:

ClinVar aggregate classification (germline): Likely benign. Review status: criteria provided, multiple submitters, no conflicts (2 of 4 stars). 2 submissions from 2 submitters: Likely benign (2). Last evaluated 2021-11-04.

Allele frequency attached by ClinVar (database versions not stated): gnomAD exomes 0.00079 and 0.00209; ExAC 0.00254; gnomAD 0.00844 and 0.00913; ESP Exome Variant Server 0.00915; TOPMed 0.00940; 1000 Genomes Project 30x 0.00953; 1000 Genomes Project 0.00958.
gnomAD v4.1: 2,472 of 1,612,736 alleles (0.15%); highest among the groups gnomAD compares: African/African-American, 3%; 35 homozygotes.

Submissions (2):

GeneDx
Classification: Likely benign. Last evaluated: 2021-11-04. Review status: criteria provided, single submitter. Criteria: GeneDx Variant Classification Process June 2021. Collection method: clinical testing. Allele origin: germline. Affected: yes.
Comment: See Variant Classification Assertion Criteria.

Breakthrough Genomics
Classification: Likely benign. Review status: criteria provided, single submitter. Criteria: ACMG Guidelines, 2015. Collection method: not provided. Allele origin: germline. Inheritance: Autosomal recessive inheritance. Affected: yes.

NM_013335.4(GMPPA):c.854-23C>T

Genes: ASIC4-AS1 (ASIC4 antisense RNA 1; minus strand), GMPPA (GDP-mannose pyrophosphorylase A; plus strand). Cytogenetic location: 2q35.
Variant type: single nucleotide variant.
Coding change: c.854-23C>T on transcript NM_013335.4 (MANE Select); 23 bases into the intron before coding-DNA position 854, C replaced by T.
Molecular consequence: intron variant.
Genome position (GRCh38, 1-based): chr2:219,505,692, C>T. VCF-style: chr2-219505692-C-T. GRCh37 (hg19) VCF-style: chr2-220370414-C-T.
Other names: c.854-23C>T (NM_001374295.1, NM_205847.3, NM_001374294.1).
Identifiers: ClinVar variation 1683941 (VCV001683941.3), dbSNP rs61304293, ClinGen allele CA2128328.